The following is an entry in ClinVar:

NM_004415.4(DSP):c.1903+1G>T

Gene: DSP (desmoplakin; plus strand). Cytogenetic location: 6p24.3.
Variant type: single nucleotide variant.
Coding change: c.1903+1G>T on transcript NM_004415.4 (MANE Select); the canonical splice donor site of the intron after coding-DNA position 1903, G replaced by T.
Molecular consequence: splice donor variant.
Genome position (GRCh38, 1-based): chr6:7,571,585, G>T. VCF-style: chr6-7571585-G-T. GRCh37 (hg19) VCF-style: chr6-7571818-G-T.
Other names: c.1903+1G>T (NM_001319034.2, NM_001008844.3).
Identifiers: ClinVar variation 2953796 (VCV002953796.3), dbSNP rs1554107107, ClinGen allele CA362679871.
Genomic context (GRCh38, chr6:7,571,585, plus strand): 5'-CCCAGAAGCATTACCAGACCCTGGTCATTCAGCTCCCTGGCTATCCCCAGCACCAGACAG[G>T]TCGGCTTGGGACATCTTTCTCTTTGTATCAACCATCCATACCATTTTAAAAAGAAGGGAG-3'

ClinVar aggregate classification (germline): Likely pathogenic (1 of 4 stars; one submission).

Conditions:
Arrhythmogenic cardiomyopathy with wooly hair and keratoderma. Also called: PALMOPLANTAR KERATODERMA WITH LEFT VENTRICULAR CARDIOMYOPATHY AND WOOLLY HAIR; Carvajal syndrome; Arrhythmogenic cardiomyopathy with woolly hair and keratoderma; Dilated cardiomyopathy with woolly hair and keratoderma. Identifiers: Orphanet 65282, MedGen C1854063, MONDO:0011581, OMIM 605676.
Arrhythmogenic right ventricular dysplasia 8 (ARVD8). Also called: Arrhythmogenic Right Ventricular Dysplasia/Cardiomyopathy 8; ARRHYTHMOGENIC RIGHT VENTRICULAR DYSPLASIA, FAMILIAL, 8; ARRHYTHMOGENIC RIGHT VENTRICULAR CARDIOMYOPATHY 8. Identifiers: MedGen C1843896, MONDO:0011831, OMIM 607450.

Submission:

Labcorp Genetics (formerly Invitae), Labcorp
Classification: Likely pathogenic for Arrhythmogenic cardiomyopathy with wooly hair and keratoderma; Arrhythmogenic right ventricular dysplasia 8. Last evaluated: 2024-03-21. Review status: criteria provided, single submitter. Criteria: Invitae Variant Classification Sherloc (09022015). Collection method: clinical testing. Allele origin: germline.
Comment: This sequence change affects a donor splice site in intron 14 of the DSP gene. It is expected to disrupt RNA splicing. Variants that disrupt the donor or acceptor splice site typically lead to a loss of protein function (PMID: 16199547), and loss-of-function variants in DSP are known to be pathogenic (PMID: 20716751, 24503780, 25227139). This variant is not present in population databases (gnomAD no frequency). Disruption of this splice site has been observed in individual(s) with clinical features of arrhythmogenic cardiomyopathy (PMID: 36580316; Invitae). Algorithms developed to predict the effect of sequence changes on RNA splicing suggest that this variant may disrupt the consensus splice site. In summary, the currently available evidence indicates that the variant is pathogenic, but additional data are needed to prove that conclusively. Therefore, this variant has been classified as Likely Pathogenic.

Literature cited by the submitters: PubMed 16199547; PubMed 20716751; PubMed 24503780; PubMed 25227139; PubMed 36580316.